The following is an entry in ClinVar:

ClinVar aggregate classification (germline): Likely pathogenic (1 of 4 stars; one submission).

Submission:

Labcorp Genetics (formerly Invitae), Labcorp
Classification: Likely pathogenic. Last evaluated: 2022-02-12. Review status: criteria provided, single submitter. Criteria: Invitae Variant Classification Sherloc (09022015). Collection method: clinical testing. Allele origin: germline.
Comment: This variant has been observed in individual(s) with hypophosphatemia (Invitae). This variant is not present in population databases (gnomAD no frequency). This sequence change falls in intron 4 of the PHEX gene. It does not directly change the encoded amino acid sequence of the PHEX protein. It affects a nucleotide within the consensus splice site. Variants that disrupt the consensus splice site are a relatively common cause of aberrant splicing (PMID: 17576681, 9536098). Algorithms developed to predict the effect of sequence changes on RNA splicing suggest that this variant may disrupt the consensus splice site. In summary, the currently available evidence indicates that the variant is pathogenic, but additional data are needed to prove that conclusively. Therefore, this variant has been classified as Likely Pathogenic. This variant disrupts the c.436+6T nucleotide in the PHEX gene. Other variant(s) that disrupt this nucleotide have been determined to be pathogenic (PMID: 18252791, 31102713). This suggests that this nucleotide is clinically significant, and that variants that disrupt this position are likely to be disease-causing.

Literature cited by the submitters: PubMed 17576681; PubMed 9536098; PubMed 18252791; PubMed 31102713.

NM_000444.6(PHEX):c.436+6T>A

Gene: PHEX (phosphate regulating endopeptidase X-linked; plus strand). Cytogenetic location: Xp22.11.
Variant type: single nucleotide variant.
Coding change: c.436+6T>A on transcript NM_000444.6 (MANE Select); 6 bases into the intron after coding-DNA position 436, T replaced by A.
Molecular consequence: intron variant.
Genome position (GRCh38, 1-based): chrX:22,076,480, T>A. VCF-style: chrX-22076480-T-A. GRCh37 (hg19) VCF-style: chrX-22094598-T-A.
Other names: c.436+6T>A (NM_001282754.2).
Identifiers: ClinVar variation 1494494 (VCV001494494.8), dbSNP rs1556020485, ClinGen allele CA2573158518.
Genomic context (GRCh38, chrX:22,076,480, plus strand): 5'-GACACCGAAGCCATACAGAAAGCCAAAATCCTTTATTCATCCTGCATGAATGAGAGTGAG[T>A]GATGAAGAAAACTAAATAAAATATTTACCATCCCTATCCTTTAGAGTTCTATTAATGTTT-3'